The following is an entry in ClinVar:

NM_004260.4(RECQL4):c.121C>T (p.Leu41Phe)

Genes: RECQL4 (RecQ like helicase 4; minus strand), LOC130001411 (ATAC-STARR-seq lymphoblastoid silent region 19699; plus strand). Cytogenetic location: 8q24.3.
Variant type: single nucleotide variant.
Coding change: c.121C>T on transcript NM_004260.4 (MANE Select); coding-DNA position 121, C replaced by T.
Protein change: p.Leu41Phe; replaces leucine 41 with phenylalanine.
Molecular consequence: missense variant.
Genome position (GRCh38, 1-based): chr8:144,517,506, G>A on the plus strand (C>T on the coding strand, the complement: RECQL4 is on the minus strand). VCF-style: chr8-144517506-G-A. GRCh37 (hg19) VCF-style: chr8-145742890-G-A.
Other names: c.121C>T (NM_004260.3); short protein forms L41F.
Identifiers: ClinVar variation 1380755 (VCV001380755.8), dbSNP rs776083037, ClinGen allele CA4949479.
Genomic context (GRCh38, chr8:144,517,506, plus strand): 5'-TGCGGAGCCCGCCGCCGGCCTGGCCCGTGGTACGCTTCAGAGTGCGGTATTCCCGGTAGA[G>A]CGCTGCGTGGGCGAGCGGGAGGCGGGGTCAGGGTGGGGCCTGGGCCCCTGCCGACCCGGT-3'
Protein context (NP_004251.4, residues 31-51): VEAAPEETRA[Leu41Phe]YREYRTLKRT

ClinVar aggregate classification (germline): Uncertain significance. Review status: criteria provided, multiple submitters, no conflicts (2 of 4 stars). 2 submissions from 2 submitters: Uncertain significance (2). Last evaluated 2024-12-31.

Conditions:
Baller-Gerold syndrome (BGS). Also called: CRANIOSYNOSTOSIS WITH RADIAL DEFECTS. Identifiers: Orphanet 1225, MedGen C0265308, MONDO:0009039, OMIM 218600.
Inborn genetic diseases. Identifiers: MedGen C0950123, MeSH D030342.

Allele frequency attached by ClinVar (database versions not stated): TOPMed below 0.00001; gnomAD exomes 0.00001; ExAC 0.00003.
gnomAD v4.1: 11 of 1,590,458 alleles (0.00069%); highest among the groups gnomAD compares: South Asian, 0.009%; no homozygotes.

Submissions (2):

Labcorp Genetics (formerly Invitae), Labcorp
Classification: Uncertain significance for Baller-Gerold syndrome. Last evaluated: 2024-12-31. Review status: criteria provided, single submitter. Criteria: Invitae Variant Classification Sherloc (09022015). Collection method: clinical testing. Allele origin: germline.
Comment: This sequence change replaces leucine, which is neutral and non-polar, with phenylalanine, which is neutral and non-polar, at codon 41 of the RECQL4 protein (p.Leu41Phe). The frequency data for this variant in the population databases is considered unreliable, as metrics indicate poor data quality at this position in the gnomAD database. This variant has not been reported in the literature in individuals affected with RECQL4-related conditions. ClinVar contains an entry for this variant (Variation ID: 1380755). Experimental studies and prediction algorithms are not available or were not evaluated, and the functional significance of this variant is currently unknown. In summary, the available evidence is currently insufficient to determine the role of this variant in disease. Therefore, it has been classified as a Variant of Uncertain Significance.

Ambry Genetics
Classification: Uncertain significance for Inborn genetic diseases. Last evaluated: 2024-12-12. Review status: criteria provided, single submitter. Criteria: Ambry Variant Classification Scheme 2023. Collection method: clinical testing. Allele origin: germline.
Comment: The p.L41F variant (also known as c.121C>T), located in coding exon 3 of the RECQL4 gene, results from a C to T substitution at nucleotide position 121. The leucine at codon 41 is replaced by phenylalanine, an amino acid with highly similar properties. This amino acid position is conserved. In addition, the in silico prediction for this alteration is inconclusive. Based on the available evidence, the clinical significance of this variant remains unclear.